The following is an entry in ClinVar:

ClinVar aggregate classification (germline): Uncertain significance. Review status: criteria provided, multiple submitters, no conflicts (2 of 4 stars). 2 submissions from 2 submitters: Uncertain significance (2). Last evaluated 2026-08-12.

Conditions:
Hereditary cancer-predisposing syndrome. Also called: Neoplastic Syndromes, Hereditary; Hereditary neoplastic syndrome; Hereditary Cancer Syndrome; Tumor predisposition. Identifiers: Orphanet 140162, MedGen C0027672, MeSH D009386, MONDO:0015356.
Familial adenomatous polyposis 1 (FAP1). Also called: POLYPOSIS, ADENOMATOUS INTESTINAL; FAMILIAL ADENOMATOUS POLYPOSIS 1, ATTENUATED. Identifiers: MedGen C2713442, MONDO:0021056, OMIM 175100. Disease mechanism: loss of function.

Allele frequency attached by ClinVar (database versions not stated): TOPMed below 0.00001; gnomAD 0.00001.
gnomAD v4.1: 2 of 1,613,728 alleles (0.00012%); highest among the groups gnomAD compares: African/African-American, 0.0027%; no homozygotes.

Submissions (2):

Ambry Genetics
Classification: Uncertain significance for Hereditary cancer-predisposing syndrome. Last evaluated: 2026-08-12. Review status: criteria provided, single submitter. Criteria: Ambry Variant Classification Scheme 2023. Collection method: clinical testing. Allele origin: germline.

Labcorp Genetics (formerly Invitae), Labcorp
Classification: Uncertain significance for Familial adenomatous polyposis 1. Last evaluated: 2025-07-31. Review status: criteria provided, single submitter. Criteria: Invitae Variant Classification Sherloc (09022015). Collection method: clinical testing. Allele origin: germline.
Comment: This sequence change replaces asparagine, which is neutral and polar, with tyrosine, which is neutral and polar, at codon 32 of the APC protein (p.Asn32Tyr). This variant is not present in population databases (gnomAD no frequency). This variant has not been reported in the literature in individuals affected with APC-related conditions. ClinVar contains an entry for this variant (Variation ID: 482511). Invitae Evidence Modeling of protein sequence and biophysical properties (such as structural, functional, and spatial information, amino acid conservation, physicochemical variation, residue mobility, and thermodynamic stability) indicates that this missense variant is not expected to disrupt APC protein function with a negative predictive value of 95%. In summary, the available evidence is currently insufficient to determine the role of this variant in disease. Therefore, it has been classified as a Variant of Uncertain Significance.

NM_000038.6(APC):c.94A>T (p.Asn32Tyr)

Gene: APC (APC regulator of Wnt signaling pathway; plus strand). Cytogenetic location: 5q22.2.
Variant type: single nucleotide variant.
Coding change: c.94A>T on transcript NM_000038.6 (MANE Select); coding-DNA position 94, A replaced by T.
Protein change: p.Asn32Tyr; replaces asparagine 32 with tyrosine.
Molecular consequence: missense variant. On other transcripts: 5 prime UTR variant (1), intron variant (8).
Genome position (GRCh38, 1-based): chr5:112,754,984, A>T. VCF-style: chr5-112754984-A-T. GRCh37 (hg19) VCF-style: chr5-112090681-A-T.
Other names: c.94A>T, p.Asn32Tyr (NM_001127510.3, NM_001354895.2, NM_001354896.2 and 2 more transcripts); c.-942A>T (NM_001354906.2); c.166-11342A>T (NM_001354897.2, NM_001354902.2, NM_001127511.3); c.61-11342A>T (NM_001354898.2, NM_001354904.2); c.-42-11342A>T (NM_001354900.2, NM_001354901.2, NM_001354905.2); short protein forms N32Y.
Identifiers: ClinVar variation 482511 (VCV000482511.18), dbSNP rs587781972, ClinGen allele CA16021546.